The following is an entry in ClinVar:

ClinVar aggregate classification (germline): Uncertain significance (1 of 4 stars; one submission).

Allele frequency attached by ClinVar (database versions not stated): ExAC 0.00004; gnomAD 0.00005; TOPMed 0.00006; ESP Exome Variant Server 0.00008; 1000 Genomes Project 30x 0.00016; 1000 Genomes Project 0.00020.

Submission:

GeneDx
Classification: Uncertain significance. Last evaluated: 2023-05-09. Review status: criteria provided, single submitter. Criteria: GeneDx Variant Classification Process June 2021. Collection method: clinical testing. Allele origin: germline. Affected: yes.
Comment: In silico analysis supports that this missense variant has a deleterious effect on protein structure/function; Has not been previously published as pathogenic or benign to our knowledge

NM_005262.3(GFER):c.535C>T (p.Arg179Cys)

Gene: GFER (growth factor, augmenter of liver regeneration; plus strand). Cytogenetic location: 16p13.3.
Variant type: single nucleotide variant.
Coding change: c.535C>T on transcript NM_005262.3 (MANE Select); coding-DNA position 535, C replaced by T.
Protein change: p.Arg179Cys; replaces arginine 179 with cysteine.
Molecular consequence: missense variant.
Genome position (GRCh38, 1-based): chr16:1,985,945, C>T. VCF-style: chr16-1985945-C-T. GRCh37 (hg19) VCF-style: chr16-2035946-C-T.
Other names: short protein forms R179C.
Identifiers: ClinVar variation 2502132 (VCV002502132.1), dbSNP rs201112184, ClinGen allele CA7826083.